The following is an entry in ClinVar:

ClinVar aggregate classification (germline): Conflicting classifications of pathogenicity. Review status: criteria provided, conflicting classifications (1 of 4 stars). 3 submissions from 3 submitters: Likely pathogenic (1); Uncertain significance (1). 1 of the submissions does not count toward it. Last evaluated 2023-01-25.

Conditions:
Cardio-facio-cutaneous syndrome. Also called: Cardiofaciocutaneous syndrome; CFC syndrome. Identifiers: Orphanet 1340, MedGen C1275081, MONDO:0015280. Disease mechanism: gain of function.
Cardiofaciocutaneous syndrome 1 (CFC1). Also called: BRAF-Related Cardiofaciocutaneous Syndrome. Identifiers: Orphanet 1340, MedGen CN029449, MONDO:0007265, OMIM 115150. Disease mechanism: gain of function.

Submissions (3):

Blueprint Genetics
Classification: Uncertain significance. Last evaluated: 2023-01-25. Review status: criteria provided, single submitter. Criteria: ACMG Guidelines, 2015. Collection method: clinical testing. Allele origin: germline.

3billion
Classification: Likely pathogenic for Cardiofaciocutaneous syndrome 1. Last evaluated: 2022-01-03. Review status: criteria provided, single submitter. Criteria: ACMG Guidelines, 2015. Collection method: clinical testing. Allele origin: germline. Affected: yes. Observed: 1 heterozygote.
Comment: Same nucleotide change resulting in same amino acid change has been previously reported to be associated with BRAF related disorder (ClinVar ID: VCV000040365, PS1_P). Different missense changes at the same codon has been reported as pathogenic/likely pathogenic with strong evidence (ClinVar ID: VCV000013964,VCV000040364,VCV000279992,VCV000372572, PM5_M). The variant is located in a well-established functional domain or exonic hotspot, where pathogenic variants have frequently reported (PM1_M). In silico tool predictions suggest damaging effect of the variant on gene or gene product (REVEL: 0.895, PP3_P). A missense variant is a common mechanism associated with Cardiofaciocutaneous syndrome (PP2_P). It is not observed in the gnomAD v2.1.1 dataset (PM2_M). Therefore, this variant is classified as likely pathogenic according to the recommendation of ACMG/AMP guideline.

Service de Génétique Moléculaire, Hôpital Robert Debré
Classification: Likely pathogenic for Cardio-facio-cutaneous syndrome. Review status: no assertion criteria provided. Collection method: clinical testing. Allele origin: de novo, unknown. Affected: yes. Observed: 2 variant alleles. Not counted in ClinVar's aggregate classification.

NM_004333.6(BRAF):c.1391G>C (p.Gly464Ala)

Gene: BRAF (B-Raf proto-oncogene, serine/threonine kinase; minus strand). Cytogenetic location: 7q34.
Variant type: single nucleotide variant.
Coding change: c.1391G>C on transcript NM_004333.6 (MANE Select); coding-DNA position 1391, G replaced by C.
Protein change: p.Gly464Ala; replaces glycine 464 with alanine.
Molecular consequence: missense variant.
Genome position (GRCh38, 1-based): chr7:140,781,617, C>G on the plus strand (G>C on the coding strand, the complement: BRAF is on the minus strand). VCF-style: chr7-140781617-C-G. GRCh37 (hg19) VCF-style: chr7-140481417-C-G.
Other names: c.1391G>C, p.Gly464Ala (NM_001354609.2, NM_001378468.1, NM_001378474.1); c.1511G>C, p.Gly504Ala (NM_001374244.1, NM_001374258.1); c.1400G>C, p.Gly467Ala (NM_001378467.1); c.1325G>C, p.Gly442Ala (NM_001378469.1); c.1289G>C, p.Gly430Ala (NM_001378470.1); c.1280G>C, p.Gly427Ala (NM_001378471.1); c.1235G>C, p.Gly412Ala (NM_001378472.1, NM_001378473.1); c.1127G>C, p.Gly376Ala (NM_001378475.1); short protein forms G464A, G376A, G412A, G427A, G430A, G442A, G467A, G504A.
Identifiers: ClinVar variation 40365 (VCV000040365.3), dbSNP rs121913348, ClinGen allele CA281965.